The following is an entry in ClinVar:

ClinVar aggregate classification (germline): Conflicting classifications of pathogenicity. Review status: criteria provided, conflicting classifications (1 of 4 stars). 5 submissions from 5 submitters: Uncertain significance (3); Likely benign (2). Last evaluated 2026-01-12.

Conditions:
Hypercholesterolemia, autosomal dominant, type B (FHCL2). Also called: APOB-Related Familial Hypercholesterolemia, Autosomal Dominant; Hyperlipoproteinemia Type IIb; Familial Hypercholesterolemia Type B; APOLIPOPROTEIN B-100, FAMILIAL DEFECTIVE; APOLIPOPROTEIN B-100, FAMILIAL LIGAND-DEFECTIVE; Familial hypercholesterolemia 2. Identifiers: MedGen C1704417, MONDO:0007751, OMIM 144010.
Familial hypobetalipoproteinemia 1. Also called: APOB-Related Familial Hypobetalipoproteinemia; Hypobetalipoproteinemia, normotriglyceridemic; Acanthocytosis with hypobetalipoproteinemia. Identifiers: MedGen C4551990, MONDO:0014252, OMIM 615558.
Cardiovascular phenotype. Identifiers: MedGen CN230736.

Allele frequency attached by ClinVar (database versions not stated): ExAC 0.00004; gnomAD exomes 0.00004 and 0.00014; gnomAD 0.00005; TOPMed 0.00005; ESP Exome Variant Server 0.00015.
gnomAD v4.1: 206 of 1,613,728 alleles (0.013%); highest among the groups gnomAD compares: Non-Finnish European, 0.017%; no homozygotes.

Submissions (5):

Labcorp Genetics (formerly Invitae), Labcorp
Classification: Likely benign for Familial hypobetalipoproteinemia 1; Hypercholesterolemia, autosomal dominant, type B. Last evaluated: 2026-01-12. Review status: criteria provided, single submitter. Criteria: Invitae Variant Classification Sherloc (09022015). Collection method: clinical testing. Allele origin: germline.

Mayo Clinic Laboratories, Mayo Clinic
Classification: Uncertain significance. Last evaluated: 2025-01-01. Review status: criteria provided, single submitter. Criteria: ACMG Guidelines, 2015. Collection method: clinical testing. Allele origin: germline. Observed: 1 variant allele.
Comment: BP4

Ambry Genetics
Classification: Likely benign for Cardiovascular phenotype. Last evaluated: 2024-11-25. Review status: criteria provided, single submitter. Criteria: Ambry Variant Classification Scheme 2023. Collection method: clinical testing. Allele origin: germline.

Quest Diagnostics Nichols Institute San Juan Capistrano
Classification: Uncertain significance. Last evaluated: 2023-05-19. Review status: criteria provided, single submitter. Criteria: Quest Diagnostics criteria. Collection method: clinical testing. Allele origin: unknown.
Comment: To the best of our knowledge, this variant has not been reported in individuals with APOB-related conditions in the published literature. The frequency of this variant in the general population, 0.00007 (9/128856 chromosomes (Genome Aggregation Database)), is uninformative in the assessment of its pathogenicity. Analysis of this variant using bioinformatics tools for the prediction of the effect of amino acid changes on protein structure and function yielded predictions that this variant is benign. Based on the available information, we are unable to determine the clinical significance of this variant.

GeneDx
Classification: Uncertain significance. Last evaluated: 2023-02-02. Review status: criteria provided, single submitter. Criteria: GeneDx Variant Classification Process June 2021. Collection method: clinical testing. Allele origin: germline. Affected: yes.
Comment: In silico analysis supports that this missense variant does not alter protein structure/function; Also known as p.(E2048K); Has not been previously published as pathogenic or benign in association with dyslipidemia to our knowledge; This variant is associated with the following publications: (PMID: 32041611)

NM_000384.3(APOB):c.6223G>A (p.Glu2075Lys)

Gene: APOB (apolipoprotein B; minus strand). Cytogenetic location: 2p24.1.
Variant type: single nucleotide variant.
Coding change: c.6223G>A on transcript NM_000384.3 (MANE Select); coding-DNA position 6223, G replaced by A.
Protein change: p.Glu2075Lys; replaces glutamic acid 2075 with lysine.
Molecular consequence: missense variant.
Genome position (GRCh38, 1-based): chr2:21,010,645, C>T on the plus strand (G>A on the coding strand, the complement: APOB is on the minus strand). VCF-style: chr2-21010645-C-T. GRCh37 (hg19) VCF-style: chr2-21233517-C-T.
Other names: p.Glu2075Lys; short protein forms E2075K.
Identifiers: ClinVar variation 630290 (VCV000630290.52), dbSNP rs377429190, ClinGen allele CA062991.